The following is an entry in ClinVar:

ClinVar aggregate classification (germline): Conflicting classifications of pathogenicity. Review status: criteria provided, conflicting classifications (1 of 4 stars). 3 submissions from 3 submitters: Uncertain significance (2); Likely benign (1). Last evaluated 2025-10-26.

Conditions:
Neuroblastoma, susceptibility to, 3. Also called: ALK-Related Neuroblastic Tumor Susceptibility. Identifiers: Orphanet 635, MedGen C2751681, MONDO:0013083, OMIM 613014.
Hereditary cancer-predisposing syndrome. Also called: Hereditary neoplastic syndrome; Neoplastic Syndromes, Hereditary; Tumor predisposition; Hereditary Cancer Syndrome. Identifiers: Orphanet 140162, MedGen C0027672, MeSH D009386, MONDO:0015356.

Allele frequency attached by ClinVar (database versions not stated): TOPMed 0.00001.

Submissions (3):

Labcorp Genetics (formerly Invitae), Labcorp
Classification: Uncertain significance for Neuroblastoma, susceptibility to, 3. Last evaluated: 2025-10-26. Review status: criteria provided, single submitter. Criteria: Invitae Variant Classification Sherloc (09022015). Collection method: clinical testing. Allele origin: germline.
Comment: This sequence change replaces alanine, which is neutral and non-polar, with threonine, which is neutral and polar, at codon 3 of the ALK protein (p.Ala3Thr). This variant is not present in population databases (gnomAD no frequency). This variant has not been reported in the literature in individuals affected with ALK-related conditions. ClinVar contains an entry for this variant (Variation ID: 470901). An algorithm developed to predict the effect of missense changes on protein structure and function outputs the following: PolyPhen-2: "Benign". The threonine amino acid residue is found in multiple mammalian species, which suggests that this missense change does not adversely affect protein function. In summary, the available evidence is currently insufficient to determine the role of this variant in disease. Therefore, it has been classified as a Variant of Uncertain Significance.

Baylor Genetics
Classification: Uncertain significance for Neuroblastoma, susceptibility to, 3. Last evaluated: 2023-06-21. Review status: criteria provided, single submitter. Criteria: ACMG Guidelines, 2015. Collection method: clinical testing. Allele origin: unknown.

Ambry Genetics
Classification: Likely benign for Hereditary cancer-predisposing syndrome. Last evaluated: 2022-04-03. Review status: criteria provided, single submitter. Criteria: Ambry Variant Classification Scheme 2023. Collection method: clinical testing. Allele origin: germline.

NM_004304.5(ALK):c.7G>A (p.Ala3Thr)

Gene: ALK (ALK receptor tyrosine kinase; minus strand). Cytogenetic location: 2p23.1.
Variant type: single nucleotide variant.
Coding change: c.7G>A on transcript NM_004304.5 (MANE Select); coding-DNA position 7, G replaced by A.
Protein change: p.Ala3Thr; replaces alanine 3 with threonine.
Molecular consequence: missense variant.
Genome position (GRCh38, 1-based): chr2:29,920,653, C>T on the plus strand (G>A on the coding strand, the complement: ALK is on the minus strand). VCF-style: chr2-29920653-C-T. GRCh37 (hg19) VCF-style: chr2-30143519-C-T.
Other names: short protein forms A3T.
Identifiers: ClinVar variation 470901 (VCV000470901.12), dbSNP rs1446332510, ClinGen allele CA346590865.